The following is an entry in ClinVar:

ClinVar aggregate classification (germline): Uncertain significance. Review status: criteria provided, multiple submitters, no conflicts (2 of 4 stars). 2 submissions from 2 submitters: Uncertain significance (2). Last evaluated 2025-08-29.

Conditions:
Inborn genetic diseases. Identifiers: MedGen C0950123, MeSH D030342.
Baller-Gerold syndrome (BGS). Also called: CRANIOSYNOSTOSIS WITH RADIAL DEFECTS. Identifiers: Orphanet 1225, MedGen C0265308, MONDO:0009039, OMIM 218600.

Submissions (2):

Labcorp Genetics (formerly Invitae), Labcorp
Classification: Uncertain significance for Baller-Gerold syndrome. Last evaluated: 2025-08-29. Review status: criteria provided, single submitter. Criteria: Invitae Variant Classification Sherloc (09022015). Collection method: clinical testing. Allele origin: germline.
Comment: This sequence change replaces glutamine, which is neutral and polar, with proline, which is neutral and non-polar, at codon 540 of the RECQL4 protein (p.Gln540Pro). This variant is present in population databases (no rsID available, gnomAD 0.006%). This variant has not been reported in the literature in individuals affected with RECQL4-related conditions. ClinVar contains an entry for this variant (Variation ID: 459335). Experimental studies and prediction algorithms are not available or were not evaluated, and the functional significance of this variant is currently unknown. Algorithms developed to predict the effect of sequence changes on RNA splicing suggest that this variant may disrupt the consensus splice site. In summary, the available evidence is currently insufficient to determine the role of this variant in disease. Therefore, it has been classified as a Variant of Uncertain Significance.

Ambry Genetics
Classification: Uncertain significance for Inborn genetic diseases. Last evaluated: 2025-07-02. Review status: criteria provided, single submitter. Criteria: Ambry Variant Classification Scheme 2023. Collection method: clinical testing. Allele origin: germline.

NM_004260.4(RECQL4):c.1619A>C (p.Gln540Pro)

Gene: RECQL4 (RecQ like helicase 4; minus strand). Cytogenetic location: 8q24.3.
Variant type: single nucleotide variant.
Coding change: c.1619A>C on transcript NM_004260.4 (MANE Select); coding-DNA position 1619, A replaced by C.
Protein change: p.Gln540Pro; replaces glutamine 540 with proline.
Molecular consequence: missense variant.
Genome position (GRCh38, 1-based): chr8:144,514,937, T>G on the plus strand (A>C on the coding strand, the complement: RECQL4 is on the minus strand). VCF-style: chr8-144514937-T-G. GRCh37 (hg19) VCF-style: chr8-145740321-T-G.
Other names: short protein forms Q540P.
Identifiers: ClinVar variation 459335 (VCV000459335.10), dbSNP rs754788555, ClinGen allele CA372683381.
Genomic context (GRCh38, chr8:144,514,937, plus strand): 5'-GGGAGTCACAAGTGCTGGTTCTTGGCTGTGTACGTGTGCCCAGGGCCCTGTGTGCACACC[T>G]GGTCATCCATGAGTGACAGCAGGGGAGAGACGACCAACGTGAGGCAGGGGCTGCGCCGGC-3'
Protein context (NP_004251.4, residues 530-550): VSPLLSLMDD[Gln540Pro]VSGLPPCLKA